The following is an entry in ClinVar:

NM_002609.4(PDGFRB):c.971C>T (p.Thr324Ile)

Gene: PDGFRB (platelet derived growth factor receptor beta; minus strand). Cytogenetic location: 5q32.
Variant type: single nucleotide variant.
Coding change: c.971C>T on transcript NM_002609.4 (MANE Select); coding-DNA position 971, C replaced by T.
Protein change: p.Thr324Ile; replaces threonine 324 with isoleucine.
Molecular consequence: missense variant.
Genome position (GRCh38, 1-based): chr5:150,132,906, G>A on the plus strand (C>T on the coding strand, the complement: PDGFRB is on the minus strand). VCF-style: chr5-150132906-G-A. GRCh37 (hg19) VCF-style: chr5-149512469-G-A.
Other names: c.779C>T, p.Thr260Ile (NM_001355016.2); c.488C>T, p.Thr163Ile (NM_001355017.2); c.971C>T (NM_002609.3); short protein forms T324I, T163I, T260I.
Identifiers: ClinVar variation 2073339 (VCV002073339.6), dbSNP rs372924064, ClinGen allele CA3508139.
Genomic context (GRCh38, chr5:150,132,906, plus strand): 5'-GGGTAGGCCTCGAACACTACCTGCAGTGTCCGGCTCCGATGCAGCTCAGCAAATTGTAGT[G>A]TGCCCACCTCTCCCAGGAGCCGCACGTAGCCGCTCTCTGCAAGGGGTGACCGTCAGGGGC-3'
Protein context (NP_002600.1, residues 314-334): GYVRLLGEVG[Thr324Ile]LQFAELHRSR

ClinVar aggregate classification (germline): Benign/Likely benign. Review status: criteria provided, multiple submitters, no conflicts (2 of 4 stars). 3 submissions from 3 submitters: Benign (1); Likely benign (1). 1 of the submissions does not count toward it. Last evaluated 2023-12-06.

Conditions:
PDGFRB-related disorder. Also called: PDGFRB-related condition.
Inborn genetic diseases. Identifiers: MedGen C0950123, MeSH D030342.
Infantile myofibromatosis (IMF). Also called: Congenital generalized fibromatosis. Identifiers: Orphanet 2591, MedGen C0432284, MONDO:0016824.
Skeletal overgrowth-craniofacial dysmorphism-hyperelastic skin-white matter lesions syndrome. Also called: SKELETAL OVERGROWTH WITH FACIAL DYSMORPHISM, HYPERELASTIC SKIN, WHITE MATTER LESIONS, AND NEUROLOGIC DETERIORATION; Kosaki overgrowth syndrome. Identifiers: Orphanet 477831, MedGen C4225270, MONDO:0014704, OMIM 616592.
Acroosteolysis-keloid-like lesions-premature aging syndrome. Also called: Premature aging syndrome, Penttinen type; Prematurely aged appearance, delayed bone maturation, acro-osteolysis, and brachydactyly; Progeroid syndrome, Penttinen type. Identifiers: Orphanet 363665, MedGen C1866182, MONDO:0011150, OMIM 601812.
Basal ganglia calcification, idiopathic, 4 (PFBC4). Also called: Familial Idiopathic Basal Ganglia Calcification 4; PRIMARY FAMILIAL BRAIN CALCIFICATION 4, AUTOSOMAL DOMINANT. Identifiers: Orphanet 1980, MedGen C3554321, MONDO:0014004, OMIM 615007.

Allele frequency attached by ClinVar (database versions not stated): gnomAD exomes 0.00001; ExAC 0.00009; TOPMed 0.00015; gnomAD 0.00013; ESP Exome Variant Server 0.00023.
gnomAD v4.1: 34 of 1,581,970 alleles (0.0021%); highest among the groups gnomAD compares: African/African-American, 0.044%; no homozygotes.

Submissions (3):

Labcorp Genetics (formerly Invitae), Labcorp
Classification: Benign for Basal ganglia calcification, idiopathic, 4; Skeletal overgrowth-craniofacial dysmorphism-hyperelastic skin-white matter lesions syndrome; Infantile myofibromatosis; Acroosteolysis-keloid-like lesions-premature aging syndrome. Last evaluated: 2023-12-06. Review status: criteria provided, single submitter. Criteria: Invitae Variant Classification Sherloc (09022015). Collection method: clinical testing. Allele origin: germline.

Ambry Genetics
Classification: Likely benign for Inborn genetic diseases. Last evaluated: 2023-01-11. Review status: criteria provided, single submitter. Criteria: Ambry Variant Classification Scheme 2023. Collection method: clinical testing. Allele origin: germline.

PreventionGenetics, part of Exact Sciences
Classification: Likely benign for PDGFRB-related condition. Last evaluated: 2024-08-16. Review status: no assertion criteria provided. Collection method: clinical testing. Allele origin: germline. Not counted in ClinVar's aggregate classification.
Comment: This variant is classified as likely benign based on ACMG/AMP sequence variant interpretation guidelines (Richards et al. 2015 PMID: 25741868, with internal and published modifications).